The following is an entry in ClinVar:

NM_000553.6(WRN):c.1518AGA[3] (p.Glu509_Glu510del)

Gene: WRN (WRN RecQ like helicase; plus strand). Cytogenetic location: 8p12.
Variant type: Microsatellite.
Coding change: c.1518AGA[3] on transcript NM_000553.6 (MANE Select); three copies in a row of the 3-base unit AGA starting at c.1518; the reference has five copies in a row; two copies, 6 bases deleted; also written c.1527_1532del.
Protein change: p.Glu509_Glu510del.
Molecular consequence: inframe deletion.
Genome position (GRCh38, 1-based): chr8:31,087,871-31,087,876, AGAAGA deleted; deleting any 6 consecutive bases within chr8:31,087,861-31,087,876 gives the same sequence; the position shown is the placement nearest the transcript's 3' end. VCF-style (leftmost placement, unchanged base first): chr8-31087860-AAAGAAG-A. GRCh37 (hg19) VCF-style: chr8-30945376-AAAGAAG-A.
Other names: c.1527_1532del (NM_000553.4).
Identifiers: ClinVar variation 574165 (VCV000574165.9), dbSNP rs781777438, ClinGen allele CA4704391.

ClinVar aggregate classification (germline): Uncertain significance. Review status: criteria provided, single submitter (1 of 4 stars). 2 submissions from 2 submitters: Uncertain significance (1). 1 of the submissions does not count toward it. Last evaluated 2025-10-20.

Conditions:
Werner syndrome (WRN). Identifiers: Orphanet 902, MedGen C0043119, MONDO:0010196, OMIM 277700.

Submissions (2):

Labcorp Genetics (formerly Invitae), Labcorp
Classification: Uncertain significance for Werner syndrome. Last evaluated: 2025-10-20. Review status: criteria provided, single submitter. Criteria: Invitae Variant Classification Sherloc (09022015). Collection method: clinical testing. Allele origin: germline.
Comment: This variant, c.1527_1532del, results in the deletion of 2 amino acid(s) of the WRN protein (p.Glu509_Glu510del), but otherwise preserves the integrity of the reading frame. The frequency data for this variant in the population databases is considered unreliable, as metrics indicate poor data quality at this position in the gnomAD database. This variant has not been reported in the literature in individuals affected with WRN-related conditions. ClinVar contains an entry for this variant (Variation ID: 574165). Experimental studies and prediction algorithms are not available or were not evaluated, and the functional significance of this variant is currently unknown. In summary, the available evidence is currently insufficient to determine the role of this variant in disease. Therefore, it has been classified as a Variant of Uncertain Significance.

Department of Pathology and Laboratory Medicine, Sinai Health System
Classification: Likely benign. Review status: no assertion criteria provided. Collection method: clinical testing. Allele origin: unknown. Affected: yes. Study: The Canadian Open Genetics Repository (COGR). Not counted in ClinVar's aggregate classification.
Comment: The WRN p.Glu509_Glu510del variant was not identified in the literature nor was it identified in Cosmic. The variant was identified in dbSNP (ID: rs781777438), ClinVar (uncertain significance by Invitae with associated phenotype of Werner Syndrome), and in LOVD 3.0. The variant was also identified in control databases in 7 of 279294 chromosomes at a frequency of 0.000025 (Genome Aggregation Database Feb 27, 2017). The variant was observed in the following populations: European (non-Finnish) in 6 of 127798 chromosomes (freq: 0.000047) and South Asian in 1 of 30268 chromosomes (freq: 0.000033); it was not observed in the African, Latino, Ashkenazi Jewish, East Asian, European (Finnish) and Other populations. This variant is an in-frame deletion resulting in the removal of a glutamic acid (glu) residue at codons 509 and 510 in a repeat region; the impact of this alteration on WRN protein function is not known. The variant occurs outside of the splicing consensus sequence and in silico programs (SpliceSiteFinder, MaxEntScan, NNSPLICE, and GeneSplicer) do not predict a difference in splicing. In summary, based on the above information the clinical significance of this variant cannot be determined with certainty at this time although we would lean towards a more benign role for this variant. This variant is classified as likely benign.